The following is an entry in ClinVar:

ClinVar aggregate classification (germline): Pathogenic. Review status: reviewed by expert panel (3 of 4 stars). 2 submissions from 2 submitters: Pathogenic (1). 1 of the submissions does not count toward it. Last evaluated 2016-10-18.

Conditions:
Breast-ovarian cancer, familial, susceptibility to, 2 (BROVCA2). Also called: BRCA2 Hereditary Breast and Ovarian Cancer. Identifiers: Orphanet 145, MedGen C2675520, MONDO:0012933, OMIM 612555. Disease mechanism: loss of function.

Submissions (2):

Evidence-based Network for the Interpretation of Germline Mutant Alleles (ENIGMA)
Classification: Pathogenic for Breast-ovarian cancer, familial, susceptibility to, 2. Last evaluated: 2016-10-18. Review status: reviewed by expert panel. Criteria: ENIGMA BRCA1/2 Classification Criteria (2015). Collection method: curation. Allele origin: germline.
Comment: Variant allele predicted to encode a truncated non-functional protein.

Consortium of Investigators of Modifiers of BRCA1/2 (CIMBA), c/o University of Cambridge
Classification: Pathogenic for Breast-ovarian cancer, familial, susceptibility to, 2. Last evaluated: 2015-10-02. Review status: criteria provided, single submitter. Criteria: CIMBA Mutation Classification guidelines May 2016. Collection method: clinical testing. Allele origin: germline. Not counted in ClinVar's aggregate classification.

NM_000059.4(BRCA2):c.3352_3356del (p.Leu1118fs)

Gene: BRCA2 (BRCA2 DNA repair associated; plus strand). Cytogenetic location: 13q13.1.
Variant type: Deletion.
Coding change: c.3352_3356del on transcript NM_000059.4 (MANE Select); coding-DNA positions 3352 to 3356, 5 bases deleted (TTAGA; older notation c.3352_3356delTTAGA).
Protein change: p.Leu1118fs; shifts the reading frame from leucine 1118.
Molecular consequence: frameshift variant.
Genome position (GRCh38, 1-based): chr13:32,337,707-32,337,711, TTAGA deleted; deleting any 5 consecutive bases within chr13:32,337,706-32,337,711 gives the same sequence; the c. name uses the placement nearest the transcript's 3' end. VCF-style (leftmost placement, unchanged base first): chr13-32337705-TATTAG-T. GRCh37 (hg19) VCF-style: chr13-32911842-TATTAG-T.
Other names: 3580_3584del5; c.3352_3356delTTAGA (NM_000059.3).
Identifiers: ClinVar variation 51451 (VCV000051451.7), dbSNP rs397507664, ClinGen allele CA017832.